The following is an entry in ClinVar:

ClinVar aggregate classification (germline): Pathogenic (1 of 4 stars; one submission).

Conditions:
Gorlin syndrome. Also called: Nevoid Basal Cell Carcinoma Syndrome; Basal cell nevus syndrome. Identifiers: Orphanet 377, MedGen C0004779, MONDO:0007187.

Submission:

Labcorp Genetics (formerly Invitae), Labcorp
Classification: Pathogenic for Gorlin syndrome. Last evaluated: 2020-08-10. Review status: criteria provided, single submitter. Criteria: Invitae Variant Classification Sherloc (09022015). Collection method: clinical testing. Allele origin: germline.
Comment: For these reasons, this variant has been classified as Pathogenic. Donor and acceptor splice site variants typically lead to a loss of protein function (PMID: 16199547), and loss-of-function variants in PTCH1 are known to be pathogenic (PMID: 16301862, 16419085). Algorithms developed to predict the effect of sequence changes on RNA splicing suggest that this variant may disrupt the consensus splice site, but this prediction has not been confirmed by published transcriptional studies. Disruption of this splice site has been observed in individual(s) with nevoid basal cell carcinoma syndrome (PMID: 16301862, Invitae). This variant is also known as IVS11+1 in the literature. ClinVar contains an entry for this variant (Variation ID: 573636). This variant is not present in population databases (ExAC no frequency). This sequence change affects a donor splice site in intron 11 of the PTCH1 gene. It is expected to disrupt RNA splicing and likely results in an absent or disrupted protein product.

Literature cited by the submitters: PubMed 16199547; PubMed 16301862; PubMed 16419085.

NM_000264.5(PTCH1):c.1602+1G>A

Gene: PTCH1 (patched 1; minus strand). Cytogenetic location: 9q22.32.
Variant type: single nucleotide variant.
Coding change: c.1602+1G>A on transcript NM_000264.5 (MANE Select); the canonical splice donor site of the intron after coding-DNA position 1602, G replaced by A.
Molecular consequence: splice donor variant.
Genome position (GRCh38, 1-based): chr9:95,476,758, C>T on the plus strand (G>A on the coding strand, the complement: PTCH1 is on the minus strand). VCF-style: chr9-95476758-C-T. GRCh37 (hg19) VCF-style: chr9-98239040-C-T.
Other names: c.1599+1G>A (NM_001083603.3); c.1404+1G>A (NM_001083602.3); c.1446+1G>A (NM_001354918.2); c.1149+1G>A (NM_001083605.3, NM_001083604.3, NM_001083606.3 and 1 more transcripts).
Identifiers: ClinVar variation 573636 (VCV000573636.9), dbSNP rs1060502277, ClinGen allele CA374118141.